The following is an entry in ClinVar:

ClinVar aggregate classification (germline): Benign. Review status: reviewed by expert panel (3 of 4 stars). 11 submissions from 10 submitters: Benign (1). 10 of the submissions do not count toward it. Last evaluated 2025-09-29.

Conditions:
AIPL1-related retinopathy. Also called: AIPL1 retinopathy. Identifiers: MedGen CN305590, MONDO:0100438.
Retinal dystrophy. Also called: Inherited retinal dystrophy. Identifiers: Orphanet 71862, MedGen C0854723, MeSH D058499, MONDO:0019118, HP:0000556.
Retinitis pigmentosa (RP). Identifiers: Orphanet 791, MedGen C0035334, MeSH D012174, MONDO:0019200, OMIM 268000. Inheritance: Autosomal dominant, autosomal recessive and X linked inheritance.
Leber congenital amaurosis 4 (LCA4). Identifiers: MedGen C1858386, MONDO:0011458, OMIM 604393.

Allele frequency attached by ClinVar (database versions not stated): 1000 Genomes Project 30x 0.00234; 1000 Genomes Project 0.00240; ESP Exome Variant Server 0.00461.
gnomAD v4.1: 8,892 of 1,612,140 alleles (0.55%); highest among the groups gnomAD compares: Non-Finnish European, 0.68%; 21 homozygotes.

Submissions (11):

ClinGen Leber Congenital Amaurosis/early Onset Retinal Dystrophy Variant Curation Expert Panel, ClinGen
Classification: Benign for AIPL1-related retinopathy. Last evaluated: 2025-09-29. Review status: reviewed by expert panel. Criteria: ClinGen LCAeoRD ACMG Specifications AIPL1 V1.0.0. Collection method: curation. Allele origin: germline. Inheritance: Autosomal recessive inheritance.
Comment: NM_014336.5(AIPL1):c.971G>T (p.Arg324Leu) is a missense variant resulting in replacement of arginine by leucine at amino acid p.324. This variant is present in gnomAD v.4.1.0 at a GrpMax allele frequency of 0.006701, with 8,053 alleles / 1,179,896 total alleles in the European (non-Finnish) population, which is higher than the ClinGen LCA/eoRD VCEP BA1 threshold of >0.0057 (BA1). This variant has been found in the homozygous state in 21 adult individuals in gnomAD which exceeds the LCA/eoRD VCEP threshold of ≥6 (gnomAD version 4.1.0; BS2). The variant has been reported in at least one individual from a cohort of healthy control patients, but the occurrence has not been considered for inclusion in BS2 due to the unreported state of zygosity (PMID: 22412862). This variant has been reported in at least 2 probands with early-onset severe retinal dystrophy who harbored the variant in the heterozygous state, however, they were not counted for PM3 because no second AIPL1 variant was identified (PMID: 21153841). At least one proband with early-onset severe retinal dystrophy who was heterozygous for the variant lacks a second AIPL1 variant and has an alternative basis for disease in the RPE65 gene, harboring the NM_000329.3(RPE65):c.1022T>C (p.Leu341Ser) and NM_000329.3(RPE65):c.361del (p.Ser121fs) variants (PMID: 21153841). However, BP5 is not applicable to AIPL1 variant curation as cases like this simply represent carrier status and do not provide evidence of benign impact. The computational predictor REVEL gives a score of 0.403, which is above the ClinGen LCA/eoRD VCEP threshold of <0.290 and does not predict a non-damaging effect on AIPL1 protein function. The splicing impact predictor SpliceAI gives a delta score of 0.10 for acceptor loss, which is above the ClinGen LCA/eoRD VCEP threshold of <0.1 and represents an intermediate prediction of impact on AIPL1 splicing. In summary, this variant meets the criteria to be classified as Benign for AIPL1-related retinopathy based on the ACMG/AMP criteria applied, as specified by the ClinGen LCA/eoRD VCEP: BA1 and BS2. (VCEP specifications version 1.0.0; date of approval 09/24/2025).

CeGaT Center for Human Genetics Tuebingen
Classification: Likely benign. Last evaluated: 2026-06-01. Review status: criteria provided, single submitter. Criteria: CeGaT Center For Human Genetics Tuebingen Variant Classification Criteria Version 2. Collection method: clinical testing. Allele origin: germline. Affected: yes. Observed: 3 variant alleles. Not counted in ClinVar's aggregate classification.
Comment: AIPL1: BP4, BS2

Labcorp Genetics (formerly Invitae), Labcorp
Classification: Benign for Leber congenital amaurosis 4. Last evaluated: 2026-02-02. Review status: criteria provided, single submitter. Criteria: Invitae Variant Classification Sherloc (09022015). Collection method: clinical testing. Allele origin: germline. Not counted in ClinVar's aggregate classification.

Blueprint Genetics
Classification: Likely benign. Last evaluated: 2024-11-17. Review status: criteria provided, single submitter. Criteria: ACMG Guidelines, 2015. Collection method: clinical testing. Allele origin: germline. Not counted in ClinVar's aggregate classification.

Institute of Human Genetics, Univ. Regensburg, Univ. Regensburg
Classification: Uncertain significance for Retinal dystrophy. Last evaluated: 2022-01-01. Review status: criteria provided, single submitter. Criteria: ACMG Guidelines, 2015. Collection method: clinical testing. Allele origin: germline. Affected: yes. Not counted in ClinVar's aggregate classification.

Fulgent Genetics
Classification: Uncertain significance for Retinitis pigmentosa; Leber congenital amaurosis 4. Last evaluated: 2018-10-31. Review status: criteria provided, single submitter. Criteria: ACMG Guidelines, 2015. Collection method: clinical testing. Allele origin: unknown. Not counted in ClinVar's aggregate classification.

Illumina Laboratory Services, Illumina
Classification: Likely benign for Retinitis pigmentosa. Last evaluated: 2017-04-27. Review status: criteria provided, single submitter. Criteria: ICSL Variant Classification Criteria 13 December 2019. Collection method: clinical testing. Allele origin: germline. Not counted in ClinVar's aggregate classification.
Comment: This variant was observed as part of a predisposition screen in an ostensibly healthy population. A literature search was performed for the gene, cDNA change, and amino acid change (where applicable). No publications were found based on this search. Allele frequency data from public databases allowed determination this variant is unlikely to cause disease. Therefore, this variant is classified as likely benign.

Illumina Laboratory Services, Illumina
Classification: Likely benign for Leber congenital amaurosis 4. Last evaluated: 2017-04-27. Review status: criteria provided, single submitter. Criteria: ICSL Variant Classification Criteria 13 December 2019. Collection method: clinical testing. Allele origin: germline. Not counted in ClinVar's aggregate classification.
Comment: the same text as in the submission from Illumina Laboratory Services, Illumina above.

Eurofins Ntd Llc (ga)
Classification: Uncertain significance. Last evaluated: 2016-11-22. Review status: criteria provided, single submitter. Criteria: EGL Classification Definitions 2015. Collection method: clinical testing. Allele origin: germline. Observed: 7 variant alleles, 7 heterozygotes. Not counted in ClinVar's aggregate classification.

GeneDx
Classification: Uncertain significance. Last evaluated: 2016-06-06. Review status: criteria provided, single submitter. Criteria: GeneDx Variant Classification (06012015). Collection method: clinical testing. Allele origin: germline. Affected: yes. Not counted in ClinVar's aggregate classification.
Comment: The R324L variant in the AIPL1 gene has been reported previously in two individuals with a clinical diagnosis of Leber's congenital amaurosis; however, neither of these individuals had a second AIPL1 variant identified, and one individual was noted to have two reportedly pathogenic RPE65 variants also identified (Wiszniewski et al., 2011). The NHLBI ESP Exome Sequencing Project and the 1000 Genomes Project report R324L was observed in 56/8600 (0.65%) and 9/1006 (0.89%) alleles, respectively, from individuals of European background, indicating it may be a rare variant in this population. This variant is a non-conservative amino acid substitution, which is likely to impact secondary protein structure as these residues differ in polarity, charge, size and/or other properties, and occurs at a position that is conserved across species. However, in silico analysis is inconsistent in its predictions as to whether or not the variant is damaging to the protein structure/function. We interpret R324L as a variant of uncertain significance.

Department of Pathology and Laboratory Medicine, Sinai Health System
Classification: Uncertain significance. Review status: no assertion criteria provided. Collection method: clinical testing. Allele origin: unknown. Affected: yes. Study: The Canadian Open Genetics Repository (COGR). Not counted in ClinVar's aggregate classification.
Comment: The AIPL1 p.Arg324Leu variant was identified in 2 of 120 proband chromosomes (frequency: 0.0167) from individuals with Leber congenital amaurosis (Wiszniewski_2011_PMID:21153841). The variant was identified in dbSNP (ID: rs150427474), ClinVar (classified as a VUS by EGL Genetics, Fulgent Genetics and GeneDx) and LOVD 3.0 (classified as a VUS and benign). The variant was also identified in control databases in 1055 of 279794 chromosomes (3 homozygous) at a frequency of 0.003771 increasing the likelihood this could be a low frequency benign variant (Genome Aggregation Database Feb 27, 2017). The variant was observed in the following populations: European (non-Finnish) in 795 of 127754 chromosomes (freq: 0.006223), Other in 26 of 7196 chromosomes (freq: 0.003613), Latino in 111 of 35420 chromosomes (freq: 0.003134), South Asian in 81 of 30602 chromosomes (freq: 0.002647), African in 25 of 24890 chromosomes (freq: 0.001004), European (Finnish) in 16 of 23664 chromosomes (freq: 0.000676) and Ashkenazi Jewish in 1 of 10350 chromosomes (freq: 0.000097), but was not observed in the East Asian population. The p.Arg324 residue is conserved in mammals and computational analyses (PolyPhen-2, SIFT, AlignGVGD, BLOSUM, MutationTaster) provide inconsistent predictions regarding the impact to the protein; this information is not very predictive of pathogenicity. The variant occurs outside of the splicing consensus sequence and in silico or computational prediction software programs (SpliceSiteFinder, MaxEntScan, NNSPLICE, GeneSplicer) do not predict a difference in splicing. In summary, based on the above information the clinical significance of this variant cannot be determined with certainty at this time. This variant is classified as a variant of uncertain significance.

Literature cited by the submitters: PubMed 21153841 (cited by Institute of Human Genetics, Univ. Regensburg, Univ. Regensburg); PubMed 3257969 (cited by Institute of Human Genetics, Univ. Regensburg, Univ. Regensburg).

NM_014336.5(AIPL1):c.971G>T (p.Arg324Leu)

Gene: AIPL1 (AIP like 1 HSP90 co-chaperone; minus strand). Cytogenetic location: 17p13.2.
Variant type: single nucleotide variant.
Coding change: c.971G>T on transcript NM_014336.5 (MANE Select); coding-DNA position 971, G replaced by T.
Protein change: p.Arg324Leu; replaces arginine 324 with leucine.
Molecular consequence: missense variant. On other transcripts: 3 prime UTR variant (1).
Genome position (GRCh38, 1-based): chr17:6,425,644, C>A on the plus strand (G>T on the coding strand, the complement: AIPL1 is on the minus strand). VCF-style: chr17-6425644-C-A. GRCh37 (hg19) VCF-style: chr17-6328964-C-A.
Other names: NM_014336.5(AIPL1):c.971G>T; p.Arg324Leu; c.782G>T, p.Arg261Leu (NM_001033054.3); c.791G>T, p.Arg264Leu (NM_001033055.3); c.935G>T, p.Arg312Leu (NM_001285399.3); c.905G>T, p.Arg302Leu (NM_001285400.3); c.899G>T, p.Arg300Leu (NM_001285401.3); c.854G>T, p.Arg285Leu (NM_001285402.2); and 1 more; short protein forms R324L, R264L, R300L, R312L, R261L, R285L, R302L.
Identifiers: ClinVar variation 198208 (VCV000198208.58), dbSNP rs150427474, ClinGen allele CA246741.